The following is an entry in ClinVar:

ClinVar aggregate classification (germline): Uncertain significance. Review status: criteria provided, multiple submitters, no conflicts (2 of 4 stars). 2 submissions from 2 submitters: Uncertain significance (2). Last evaluated 2026-08-12.

Conditions:
Inborn genetic diseases. Identifiers: MedGen C0950123, MeSH D030342.

Allele frequency attached by ClinVar (database versions not stated): ESP Exome Variant Server 0.00008; ExAC 0.00005.
gnomAD v4.1: 135 of 1,613,908 alleles (0.0084%); highest among the groups gnomAD compares: Non-Finnish European, 0.0095%; no homozygotes.

Submissions (2):

GeneDx
Classification: Uncertain significance. Last evaluated: 2026-08-12. Review status: criteria provided, single submitter. Criteria: GeneDx Variant Classification Process June 2021. Collection method: clinical testing. Allele origin: germline.
Comment: In silico analysis suggests that this missense variant does not alter protein structure/function; Has not been previously published as pathogenic or benign to our knowledge

Ambry Genetics
Classification: Uncertain significance for Inborn genetic diseases. Last evaluated: 2025-04-30. Review status: criteria provided, single submitter. Criteria: Ambry Variant Classification Scheme 2023. Collection method: clinical testing. Allele origin: germline.

NM_014208.3(DSPP):c.398C>A (p.Ala133Glu)

Genes: DMP1-AS1 (DMP1 and DSPP antisense RNA 1; minus strand), DSPP (dentin sialophosphoprotein; plus strand). Cytogenetic location: 4q22.1.
Variant type: single nucleotide variant.
Coding change: c.398C>A on transcript NM_014208.3 (MANE Select); coding-DNA position 398, C replaced by A.
Protein change: p.Ala133Glu; replaces alanine 133 with glutamic acid.
Molecular consequence: missense variant.
Genome position (GRCh38, 1-based): chr4:87,612,584, C>A. VCF-style: chr4-87612584-C-A. GRCh37 (hg19) VCF-style: chr4-88533736-C-A.
Other names: short protein forms A133E.
Identifiers: ClinVar variation 2442765 (VCV002442765.3), dbSNP rs370086773, ClinGen allele CA3000888.